The following is an entry in ClinVar:

ClinVar aggregate classification (germline): Uncertain significance. Review status: criteria provided, multiple submitters, no conflicts (2 of 4 stars). 2 submissions from 2 submitters: Uncertain significance (2). Last evaluated 2021-01-07.

Conditions:
Inborn genetic diseases. Identifiers: MedGen C0950123, MeSH D030342.

Allele frequency attached by ClinVar (database versions not stated): gnomAD exomes 0.00002; TOPMed below 0.00001; gnomAD 0.00001; ExAC 0.00002.
gnomAD v4.1: 24 of 1,613,714 alleles (0.0015%); highest among the groups gnomAD compares: South Asian, 0.0033%; no homozygotes.

Submissions (2):

Ambry Genetics
Classification: Uncertain significance for Inborn genetic diseases. Last evaluated: 2021-01-07. Review status: criteria provided, single submitter. Criteria: Ambry Variant Classification Scheme 2023. Collection method: clinical testing. Allele origin: germline.
Comment: The c.1742A>G (p.N581S) alteration is located in exon 2 (coding exon 2) of the TPRN gene. This alteration results from a A to G substitution at nucleotide position 1742, causing the asparagine (N) at amino acid position 581 to be replaced by a serine (S). The p.N581S alteration is predicted to be tolerated by in silico analysis. Based on insufficient or conflicting evidence, the clinical significance of this alteration remains unclear.

Laboratory for Molecular Medicine, Mass General Brigham Personalized Medicine
Classification: Uncertain significance. Last evaluated: 2018-10-23. Review status: criteria provided, single submitter. Criteria: LMM Criteria. Collection method: clinical testing. Allele origin: germline. Observed: 2 variant alleles.
Comment: The p.Asn581Ser variant in TPRN has not been previously reported in individuals with hearing loss, but has been identified in 0.006% (2/30780) of South Asian ch romosomes and 0.001% (2/109126) of European chromosomes by gnomAD (.). Computational prediction tools and conservation analysis s uggest that the variant may impact the protein, though this information is not p redictive enough to determine pathogenicity. In summary, the clinical significan ce of the p.Asn581Ser variant is uncertain. ACMG/AMP Criteria applied: PM2, PP3.

NM_001128228.3(TPRN):c.1742A>G (p.Asn581Ser)

Gene: TPRN (taperin; minus strand). Cytogenetic location: 9q34.3.
Variant type: single nucleotide variant.
Coding change: c.1742A>G on transcript NM_001128228.3 (MANE Select); coding-DNA position 1742, A replaced by G.
Protein change: p.Asn581Ser; replaces asparagine 581 with serine.
Molecular consequence: missense variant.
Genome position (GRCh38, 1-based): chr9:137,192,675, T>C on the plus strand (A>G on the coding strand, the complement: TPRN is on the minus strand). VCF-style: chr9-137192675-T-C. GRCh37 (hg19) VCF-style: chr9-140087127-T-C.
Other names: short protein forms N581S.
Identifiers: ClinVar variation 667341 (VCV000667341.6), dbSNP rs773521640, ClinGen allele CA5362651.